The following is an entry in ClinVar:

ClinVar aggregate classification (germline): Likely pathogenic (1 of 4 stars; one submission).

Conditions:
Anemia, nonspherocytic hemolytic, due to G6PD deficiency (CNSHA1). Also called: Hemolytic anemia due to G6PD deficiency; Class I glucose-6-phosphate dehydrogenase deficiency; Favism, susceptibility to; ANEMIA, CONGENITAL, NONSPHEROCYTIC HEMOLYTIC, 1. Identifiers: Orphanet 466026, MedGen C2720289, MONDO:0010480, OMIM 300908.

Submission:

Dunham Lab, University of Washington
Classification: Likely pathogenic for Anemia, nonspherocytic hemolytic, due to G6PD deficiency. Last evaluated: 2022-08-12. Review status: criteria provided, single submitter. Criteria: Bayesian ACMG Guidelines, 2018. Collection method: curation. Allele origin: inherited. Affected: yes.
Comment: Decreased actvity in red blood cells (5-10%) (PS3). Not found in gnomAD (PM2). Post_P 0.975 (odds of pathogenicity 350.3, Prior_P 0.1).

Literature cited by the submitters: PubMed 22139979.

NM_001360016.2(G6PD):c.1380G>C (p.Glu460Asp)

Gene: G6PD (glucose-6-phosphate dehydrogenase; minus strand). Cytogenetic location: Xq28.
Variant type: single nucleotide variant.
Coding change: c.1380G>C on transcript NM_001360016.2 (MANE Select); coding-DNA position 1380, G replaced by C.
Protein change: p.Glu460Asp; replaces glutamic acid 460 with aspartic acid.
Molecular consequence: missense variant.
Genome position (GRCh38, 1-based): chrX:154,532,265, C>G on the plus strand (G>C on the coding strand, the complement: G6PD is on the minus strand). VCF-style: chrX-154532265-C-G. GRCh37 (hg19) VCF-style: chrX-153760480-C-G.
Other names: G6PD Nice; c.1470G>C, p.Glu490Asp (NM_000402.4); c.1380G>C, p.Glu460Asp (NM_001042351.3); short protein forms E460D, E490D.
Identifiers: ClinVar variation 1722635 (VCV001722635.2), dbSNP rs2523261277, ClinGen allele CA415232645.